The following is an entry in ClinVar:

ClinVar aggregate classification (germline): Likely pathogenic. Review status: criteria provided, multiple submitters, no conflicts (2 of 4 stars). 2 submissions from 2 submitters: Likely pathogenic (2). Last evaluated 2025-12-22.

Conditions:
RNU2-2 related disorder.
RNU2-2 related neurodevelopmental disorder.

gnomAD v4.1: 1 of 152,204 alleles (0.00066%); highest among the groups gnomAD compares: African/African-American, 0.0024%; no homozygotes.

Submissions (2):

Undiagnosed Diseases Network, NIH
Classification: Likely pathogenic for RNU2-2 related neurodevelopmental disorder. Last evaluated: 2025-12-22. Review status: criteria provided, single submitter. Criteria: ACMG Guidelines, 2015. Collection method: clinical testing. Allele origin: paternal. Inheritance: Autosomal recessive inheritance. Affected: yes. Observed: 1 variant allele, 1 compound heterozygote. Study: Undiagnosed Diseases Network (NIH), UDN.

Institute for Human Genetics, University Hospital Essen
Classification: Likely pathogenic for RNU2-2 related disorder. Last evaluated: 2025-11-27. Review status: criteria provided, single submitter. Criteria: Submitter's publication. Collection method: clinical testing. Allele origin: biparental. Inheritance: Autosomal recessive inheritance. Affected: yes. Observed: 1 variant allele, 1 homozygote.
Comment: PS4_mod, PM1, PM2_supp, PM3 (criteria rationale detailed in Leitão et al. Nature Genetics 2026)

Literature cited by the submitters: PubMed 40909831 (cited by Undiagnosed Diseases Network, NIH).

NR_199791.1(RNU2-2):n.19G>A

Genes: RNU2-2 (RNA, U2 small nuclear 2; minus strand), WDR74 (WD repeat domain 74; minus strand). Cytogenetic location: 11q12.3.
Variant type: single nucleotide variant.
Molecular consequence: non-coding transcript variant (on NR_199791.1). On other transcripts: 5 prime UTR variant (1).
Genome position: GRCh38 VCF-style: chr11-62841791-C-T. GRCh37 (hg19) VCF-style: chr11-62609263-C-T.
Other names: c.-520G>A (NM_001369451.1).
Identifiers: ClinVar variation 4540461 (VCV004540461.2).